The following is an entry in ClinVar:

NM_005006.7(NDUFS1):c.755A>G (p.Asp252Gly)

Gene: NDUFS1 (NADH:ubiquinone oxidoreductase core subunit S1; minus strand). Cytogenetic location: 2q33.3.
Variant type: single nucleotide variant.
Coding change: c.755A>G on transcript NM_005006.7 (MANE Select); coding-DNA position 755, A replaced by G.
Protein change: p.Asp252Gly; replaces aspartic acid 252 with glycine.
Molecular consequence: missense variant.
Genome position (GRCh38, 1-based): chr2:206,145,009, T>C on the plus strand (A>G on the coding strand, the complement: NDUFS1 is on the minus strand). VCF-style: chr2-206145009-T-C. GRCh37 (hg19) VCF-style: chr2-207009733-T-C.
Other names: c.647A>G, p.Asp216Gly (NM_001199981.2); c.422A>G, p.Asp141Gly (NM_001199982.2); c.584A>G, p.Asp195Gly (NM_001199983.2); c.797A>G, p.Asp266Gly (NM_001199984.2); short protein forms D252G, D141G, D216G, D195G, D266G.
Identifiers: ClinVar variation 14231 (VCV000014231.3), dbSNP rs199422224, ClinGen allele CA123814.

ClinVar aggregate classification (germline): Pathogenic. Review status: criteria provided, multiple submitters, no conflicts (2 of 4 stars). 3 submissions from 3 submitters: Pathogenic (2). 1 of the submissions does not count toward it. Last evaluated 2017-05-19.

Conditions:
Mitochondrial complex I deficiency, nuclear type 5. Also called: Mitochondrial complex 1 deficiency, nuclear type 5. Identifiers: MedGen C4748754, MONDO:0032610, OMIM 618226.

Allele frequency attached by ClinVar (database versions not stated): gnomAD exomes below 0.00001 and 0.00001; gnomAD 0.00001; TOPMed 0.00001.
gnomAD v4.1: 12 of 1,613,714 alleles (0.00074%); highest among the groups gnomAD compares: Admixed American, 0.0017%; no homozygotes.

Submissions (3):

Center for Pediatric Genomic Medicine, Children's Mercy Hospital and Clinics
Classification: Pathogenic. Last evaluated: 2017-05-19. Review status: criteria provided, single submitter. Criteria: ACMG Guidelines, 2015. Collection method: clinical testing. Allele origin: germline.

GeneDx
Classification: Pathogenic. Last evaluated: 2013-02-14. Review status: criteria provided, single submitter. Criteria: GeneDx Variant Classification (06012015). Collection method: clinical testing. Allele origin: germline. Affected: yes.
Comment: p.Asp252Gly (GAT>GGT): c.755 A>G in exon 9 of the NDUFS1 gene (NM_005006.5). The D252G missense mutation in the NDUFS1 gene has been reported previously in association with mitochondrial complex I deficiency in two patients who each harbored another mutation in NDUFS1 (Benit et al., 2001; Danhauser et al., 2011). Complementation analysis was shown to restore complex I deficiency in fibroblasts of a patient compound heterozygous for D252G and another NDUFS1 mutation (Danhauser et al., 2011). The variant is found in MITONUC-MITOP panel(s).

OMIM
Classification: Pathogenic for MITOCHONDRIAL COMPLEX I DEFICIENCY, NUCLEAR TYPE 5. Last evaluated: 2001-06-01. Review status: no assertion criteria provided. Collection method: literature only. Allele origin: germline. Not counted in ClinVar's aggregate classification.

Literature cited by the submitters: PubMed 11349233 (cited by OMIM).